The following is an entry in ClinVar:

NM_000213.5(ITGB4):c.2922C>T (p.Leu974=)

Gene: ITGB4 (integrin subunit beta 4; plus strand). Cytogenetic location: 17q25.1.
Variant type: single nucleotide variant.
Coding change: c.2922C>T on transcript NM_000213.5 (MANE Select); coding-DNA position 2922, C replaced by T.
Protein change: p.Leu974=; no amino-acid change (leucine 974 retained).
Molecular consequence: synonymous variant.
Genome position (GRCh38, 1-based): chr17:75,742,721, C>T. VCF-style: chr17-75742721-C-T. GRCh37 (hg19) VCF-style: chr17-73738802-C-T.
Other names: c.2922C>T, p.Leu974= (NM_001005619.2, NM_001005731.3, NM_001321123.2).
Identifiers: ClinVar variation 774352 (VCV000774352.37), dbSNP rs139130590, ClinGen allele CA8769622.

ClinVar aggregate classification (germline): Conflicting classifications of pathogenicity. Review status: criteria provided, conflicting classifications (1 of 4 stars). 3 submissions from 3 submitters: Uncertain significance (1); Likely benign (2). Last evaluated 2026-01-28.

Conditions:
Junctional epidermolysis bullosa with pyloric atresia. Also called: EPIDERMOLYSIS BULLOSA, JUNCTIONAL 5B, WITH PYLORIC ATRESIA; ITGB4-Related Epidermolysis Bullosa with Pyloric Atresia; APLASIA CUTIS CONGENITA WITH GASTROINTESTINAL ATRESIA; CARMI SYNDROME; EB-PA-ACC; Junctional Epidermolysis Bullosa- Pyloric Atresia Syndrome. Identifiers: Orphanet 79403, MedGen C5676875, MONDO:0009183, OMIM 226730.

Allele frequency attached by ClinVar (database versions not stated): TOPMed 0.00088; gnomAD 0.00089 and 0.00093; gnomAD exomes 0.00090 and 0.00094; ExAC 0.00100; ESP Exome Variant Server 0.00100.
gnomAD v4.1: 1,488 of 1,612,948 alleles (0.092%); highest among the groups gnomAD compares: Non-Finnish European, 0.11%; 5 homozygotes.

Submissions (3):

Labcorp Genetics (formerly Invitae), Labcorp
Classification: Likely benign. Last evaluated: 2026-01-28. Review status: criteria provided, single submitter. Criteria: Invitae Variant Classification Sherloc (09022015). Collection method: clinical testing. Allele origin: germline.

CeGaT Center for Human Genetics Tuebingen
Classification: Likely benign. Last evaluated: 2025-10-01. Review status: criteria provided, single submitter. Criteria: CeGaT Center For Human Genetics Tuebingen Variant Classification Criteria Version 2. Collection method: clinical testing. Allele origin: germline. Affected: yes. Observed: 2 variant alleles.
Comment: ITGB4: BP4, BP7

Illumina Laboratory Services, Illumina
Classification: Uncertain significance for Junctional epidermolysis bullosa with pyloric atresia. Last evaluated: 2017-04-27. Review status: criteria provided, single submitter. Criteria: ICSL Variant Classification Criteria 13 December 2019. Collection method: clinical testing. Allele origin: germline.